The following is an entry in ClinVar:

ClinVar aggregate classification (germline): Uncertain significance. Review status: criteria provided, multiple submitters, no conflicts (2 of 4 stars). 7 submissions from 7 submitters: Uncertain significance (6). 1 of the submissions does not count toward it. Last evaluated 2026-04-07.

Conditions:
CFTR-related disorder (CFTR-RD). Also called: CFTR-related disorders; CFTR-related condition. Identifiers: MedGen C5924204, MONDO:7770004.
Cystic fibrosis (CF). Also called: MUCOVISCIDOSIS. Identifiers: Orphanet 586, MedGen C0010674, MONDO:0009061, OMIM 219700. Disease mechanism: loss of function.

Allele frequency attached by ClinVar (database versions not stated): gnomAD exomes 0.00001 and 0.00002; ExAC 0.00001; gnomAD 0.00003; TOPMed 0.00002.
gnomAD v4.1: 21 of 1,598,962 alleles (0.0013%); highest among the groups gnomAD compares: Non-Finnish European, 0.0017%; no homozygotes.

Submissions (7):

Women's Health and Genetics/Laboratory Corporation of America, LabCorp
Classification: Uncertain significance. Last evaluated: 2026-04-07. Review status: criteria provided, single submitter. Criteria: LabCorp Variant Classification Summary - May 2015. Collection method: clinical testing. Allele origin: germline.
Comment: Variant summary: CFTR c.250T>C (p.Tyr84His) results in a conservative amino acid change located in the ABC transporter type 1, transmembrane domain (IPR011527) of the encoded protein sequence. Algorithms developed to predict the effect of missense changes on protein structure and function are either unavailable or do not agree on the potential impact of this missense change. The variant allele was found at a frequency of 2.4e-05 in 250904 control chromosomes. The available data on variant occurrences in the general population are insufficient to allow any conclusion about variant significance. Although cited in the literature within settings of carrier screening of individuals with no prior family history of Cystic Fibrosis or in unaffected controls (e.g., Picci_2010, Rosendahl_2012), to our knowledge, this variant has not been reported among individuals affected with Cystic Fibrosis. However, c.250T>C has been reported in the literature as a carrier genotype in at-least one individual affected with infertility (e.g., Chamayou_2020). These reports do not provide unequivocal conclusions about association of the variant with Cystic Fibrosis. To our knowledge, no experimental evidence demonstrating an impact on protein function has been reported. The following publications have been ascertained in the context of this evaluation (PMID: 19897426, 22427236, 32357917). ClinVar contains an entry for this variant (Variation ID: 498176). Based on the evidence outlined above, the variant was classified as uncertain significance.

Labcorp Genetics (formerly Invitae), Labcorp
Classification: Uncertain significance for Cystic fibrosis. Last evaluated: 2024-08-02. Review status: criteria provided, single submitter. Criteria: Invitae Variant Classification Sherloc (09022015). Collection method: clinical testing. Allele origin: germline.
Comment: This sequence change replaces tyrosine, which is neutral and polar, with histidine, which is basic and polar, at codon 84 of the CFTR protein (p.Tyr84His). This variant is present in population databases (rs745756794, gnomAD 0.003%). This variant has not been reported in the literature in individuals affected with CFTR-related conditions. ClinVar contains an entry for this variant (Variation ID: 498176). Advanced modeling of protein sequence and biophysical properties (such as structural, functional, and spatial information, amino acid conservation, physicochemical variation, residue mobility, and thermodynamic stability) performed at Invitae indicates that this missense variant is expected to disrupt CFTR protein function with a positive predictive value of 80%. In summary, the available evidence is currently insufficient to determine the role of this variant in disease. Therefore, it has been classified as a Variant of Uncertain Significance.

Ambry Genetics
Classification: Uncertain significance for Cystic fibrosis. Last evaluated: 2024-01-04. Review status: criteria provided, single submitter. Criteria: Ambry Variant Classification Scheme 2023. Collection method: clinical testing. Allele origin: germline.
Comment: The p.Y84H variant (also known as c.250T>C), located in coding exon 3 of the CFTR gene, results from a T to C substitution at nucleotide position 250. The tyrosine at codon 84 is replaced by histidine, an amino acid with similar properties. This amino acid position is well conserved in available vertebrate species; however, histidine is the reference amino acid in other vertebrate species. In addition, the in silico prediction for this alteration is inconclusive. Since supporting evidence is limited at this time, the clinical significance of this alteration remains unclear.

Genome-Nilou Lab
Classification: Uncertain significance for Cystic fibrosis. Last evaluated: 2021-09-05. Review status: criteria provided, single submitter. Criteria: ACMG Guidelines, 2015. Collection method: clinical testing. Allele origin: germline. Affected: no.

Quest Diagnostics Nichols Institute San Juan Capistrano
Classification: Uncertain significance. Last evaluated: 2020-01-16. Review status: criteria provided, single submitter. Criteria: Quest Diagnostics criteria. Collection method: clinical testing. Allele origin: unknown.

Eurofins Ntd Llc (ga)
Classification: Uncertain significance. Last evaluated: 2017-01-26. Review status: criteria provided, single submitter. Criteria: EGL Classification Definitions 2015. Collection method: clinical testing. Allele origin: germline. Observed: 2 variant alleles, 2 heterozygotes.

PreventionGenetics, part of Exact Sciences
Classification: Uncertain significance for CFTR-related condition. Last evaluated: 2024-02-23. Review status: no assertion criteria provided. Collection method: clinical testing. Allele origin: germline. Not counted in ClinVar's aggregate classification.
Comment: The CFTR c.250T>C variant is predicted to result in the amino acid substitution p.Tyr84His. This variant is reported in 0.0056% of alleles in individuals of Latino descent in gnomAD. At this time, the clinical significance of this variant is uncertain due to the absence of conclusive functional and genetic evidence.

Literature cited by the submitters: PubMed 19897426 (cited by 3 submitters); PubMed 22427236 (cited by Women's Health and Genetics/Laboratory Corporation of America, LabCorp and Ambry Genetics); PubMed 32357917 (cited by Women's Health and Genetics/Laboratory Corporation of America, LabCorp and Ambry Genetics).

NM_000492.4(CFTR):c.250T>C (p.Tyr84His)

Gene: CFTR (CF transmembrane conductance regulator; plus strand). Cytogenetic location: 7q31.2.
Variant type: single nucleotide variant.
Coding change: c.250T>C on transcript NM_000492.4 (MANE Select); coding-DNA position 250, T replaced by C.
Protein change: p.Tyr84His; replaces tyrosine 84 with histidine.
Molecular consequence: missense variant.
Genome position (GRCh38, 1-based): chr7:117,509,119, T>C. VCF-style: chr7-117509119-T-C. GRCh37 (hg19) VCF-style: chr7-117149173-T-C.
Other names: short protein forms Y84H.
Identifiers: ClinVar variation 498176 (VCV000498176.19), dbSNP rs745756794, ClinGen allele CA4450673.